The following is an entry in ClinVar:

NM_001111.5(ADAR):c.3376G>C (p.Val1126Leu)

Gene: ADAR (adenosine deaminase RNA specific; minus strand). Cytogenetic location: 1q21.3.
Variant type: single nucleotide variant.
Coding change: c.3376G>C on transcript NM_001111.5 (MANE Select); coding-DNA position 3376, G replaced by C.
Protein change: p.Val1126Leu; replaces valine 1126 with leucine.
Molecular consequence: missense variant.
Genome position (GRCh38, 1-based): chr1:154,585,284, C>G on the plus strand (G>C on the coding strand, the complement: ADAR is on the minus strand). VCF-style: chr1-154585284-C-G. GRCh37 (hg19) VCF-style: chr1-154557760-C-G.
Other names: c.2491G>C, p.Val831Leu (NM_001025107.3, NM_001193495.2, NM_001365046.1 and 2 more transcripts); c.3403G>C, p.Val1135Leu (NM_001365045.1); c.2413G>C, p.Val805Leu (NM_001365049.1); c.3298G>C, p.Val1100Leu (NM_015840.4); c.3241G>C, p.Val1081Leu (NM_015841.4); short protein forms V1135L, V805L, V1081L, V1100L, V1126L, V831L.
Identifiers: ClinVar variation 1478741 (VCV001478741.8), dbSNP rs1571046840, ClinGen allele CA342635101.

ClinVar aggregate classification (germline): Uncertain significance (1 of 4 stars; one submission).

Conditions:
Symmetrical dyschromatosis of extremities (DSH). Also called: Dyschromatosis symmetrica hereditaria; DYSCHROMATOSIS SYMMETRICA HEREDITARIA 1; RETICULATE ACROPIGMENTATION OF DOHI; SYMMETRIC DYSCHROMATOSIS OF THE EXTREMITIES. Identifiers: Orphanet 41, MedGen C0406775, MONDO:0007483, OMIM 127400.
Aicardi-Goutieres syndrome 6 (AGS6). Identifiers: Orphanet 51, MedGen C3539013, MONDO:0014007, OMIM 615010.

Submission:

Labcorp Genetics (formerly Invitae), Labcorp
Classification: Uncertain significance for Aicardi-Goutieres syndrome 6; Symmetrical dyschromatosis of extremities. Last evaluated: 2024-02-17. Review status: criteria provided, single submitter. Criteria: Invitae Variant Classification Sherloc (09022015). Collection method: clinical testing. Allele origin: germline.
Comment: This sequence change replaces valine, which is neutral and non-polar, with leucine, which is neutral and non-polar, at codon 1126 of the ADAR protein (p.Val1126Leu). This variant is not present in population databases (gnomAD no frequency). This variant has not been reported in the literature in individuals affected with ADAR-related conditions. ClinVar contains an entry for this variant (Variation ID: 1478741). Advanced modeling of protein sequence and biophysical properties (such as structural, functional, and spatial information, amino acid conservation, physicochemical variation, residue mobility, and thermodynamic stability) performed at Invitae indicates that this missense variant is not expected to disrupt ADAR protein function with a negative predictive value of 80%. In summary, the available evidence is currently insufficient to determine the role of this variant in disease. Therefore, it has been classified as a Variant of Uncertain Significance.